The following is an entry in ClinVar:

ClinVar aggregate classification (germline): Benign (1 of 4 stars; one submission).

Conditions:
Leigh syndrome (NULS). Also called: Leigh's necrotizing encephalopathy; Leigh's disease; Leigh Syndrome (mtDNA deletion); Leigh Disease; Subacute necrotizing encephalopathy; Necrotizing encephalopathy infantile subacute of Leigh. Identifiers: Orphanet 506, MedGen C2931891, MONDO:0009723, OMIM 256000.

Submission:

Wong Mito Lab, Molecular and Human Genetics, Baylor College of Medicine
Classification: Benign for Leigh syndrome. Last evaluated: 2019-10-17. Review status: criteria provided, single submitter. Criteria: Modified ACMG Guidelines (Unpublished). Collection method: clinical testing. Allele origin: germline.
Comment: The NC_012920.1:m.7844A>G (YP_003024029.1:p.Thr87Ala) variant in MTCO2 gene is interpretated to be a Benign variant based on the modified ACMG guidelines (unpublished). This variant meets the following evidence codes: BS1, BS2, BP4

NC_012920.1(MT-CO2):m.7844A>G

Gene: MT-CO2 (mitochondrially encoded cytochrome c oxidase II; plus strand).
Variant type: single nucleotide variant.
Genome position: chrM-7844-A-G.
Identifiers: ClinVar variation 692787 (VCV000692787.1), dbSNP rs1556423353, ClinGen allele CA414793964.